The following is an entry in ClinVar:

ClinVar aggregate classification (germline): Uncertain significance (1 of 4 stars; one submission).

gnomAD v4.1: 1 of 1,613,408 alleles (0.000062%); highest among the groups gnomAD compares: Middle Eastern, 0.017%; no homozygotes.

Submission:

Ambry Genetics
Classification: Uncertain significance. Last evaluated: 2024-08-07. Review status: criteria provided, single submitter. Criteria: Ambry Variant Classification Scheme 2023. Collection method: clinical testing. Allele origin: germline.
Comment: The p.I438V variant (also known as c.1312A>G), located in coding exon 13 of the KIF1B gene, results from an A to G substitution at nucleotide position 1312. The isoleucine at codon 438 is replaced by valine, an amino acid with highly similar properties. This amino acid position is conserved. In addition, the in silico prediction for this alteration is inconclusive. Based on the available evidence, the clinical significance of this variant remains unclear.

NM_001365951.3(KIF1B):c.1450A>G (p.Ile484Val)

Gene: KIF1B (kinesin family member 1B; plus strand). Cytogenetic location: 1p36.22.
Variant type: single nucleotide variant.
Coding change: c.1450A>G on transcript NM_001365951.3 (MANE Select); coding-DNA position 1450, A replaced by G.
Protein change: p.Ile484Val; replaces isoleucine 484 with valine.
Molecular consequence: missense variant.
Genome position (GRCh38, 1-based): chr1:10,291,097, A>G. VCF-style: chr1-10291097-A-G. GRCh37 (hg19) VCF-style: chr1-10351155-A-G.
Other names: c.1450A>G, p.Ile484Val (NM_001365952.1); c.1312A>G, p.Ile438Val (NM_001365953.1, NM_015074.3, NM_183416.4); short protein forms I484V, I438V.
Identifiers: ClinVar variation 3533965 (VCV003533965.1).